The following is an entry in ClinVar:

NM_021927.3(GUF1):c.735-19_738del

Gene: GUF1 (GTP binding elongation factor GUF1; plus strand). Cytogenetic location: 4p12.
Variant type: Deletion.
Coding change: c.735-19_738del on transcript NM_021927.3 (MANE Select); 19 bases into the intron before coding-DNA position 735 through coding-DNA position 738, 23 bases deleted (TTTTACTTATATTTACTAGTCCT).
Molecular consequence: splice acceptor variant.
Genome position (GRCh38, 1-based): chr4:44,686,491-44,686,513, TTTTACTTATATTTACTAGTCCT deleted; deleting any 23 consecutive bases within chr4:44,686,489-44,686,513 gives the same sequence; the c. name uses the placement nearest the transcript's 3' end. VCF-style (leftmost placement, unchanged base first): chr4-44686488-ACTTTTTACTTATATTTACTAGTC-A. GRCh37 (hg19) VCF-style: chr4-44688505-ACTTTTTACTTATATTTACTAGTC-A.
Other names: c.-238-19_-235del (NM_001345869.2, NM_001345867.2); c.735-19_738del (NM_001345868.2).
Identifiers: ClinVar variation 2997169 (VCV002997169.3), dbSNP rs913725607, ClinGen allele CA96517006.

ClinVar aggregate classification (germline): Uncertain significance (1 of 4 stars; one submission).

Submission:

Labcorp Genetics (formerly Invitae), Labcorp
Classification: Uncertain significance. Last evaluated: 2024-01-25. Review status: criteria provided, single submitter. Criteria: Invitae Variant Classification Sherloc (09022015). Collection method: clinical testing. Allele origin: germline.
Comment: This variant results in the deletion of part of exon 8 (c.735-19_738del) of the GUF1 gene. It is expected to disrupt RNA splicing. Variants that disrupt the donor or acceptor splice site typically lead to a loss of protein function (PMID: 16199547), however the current clinical and genetic evidence is not sufficient to establish whether loss-of-function variants in GUF1 cause disease. This variant is present in population databases (no rsID available, gnomAD 0.01%). This variant has not been reported in the literature in individuals affected with GUF1-related conditions. In summary, the available evidence is currently insufficient to determine the role of this variant in disease. Therefore, it has been classified as a Variant of Uncertain Significance.

Literature cited by the submitters: PubMed 16199547.